The following is an entry in ClinVar:

NC_000008.11:g.(?_11703278)_(11759996_?)del

Gene: GATA4 (GATA binding protein 4). Cytogenetic location: 8p23.1.
Variant type: Deletion.
Identifiers: ClinVar variation 831284 (VCV000831284.1).

ClinVar aggregate classification (germline): Pathogenic (1 of 4 stars; one submission).

Conditions:
Atrioventricular septal defect 4 (AVSD4). Identifiers: MedGen C3280781, MONDO:0013747, OMIM 614430.

Submission:

Labcorp Genetics (formerly Invitae), Labcorp
Classification: Pathogenic for Atrioventricular septal defect 4. Last evaluated: 2019-12-11. Review status: criteria provided, single submitter. Criteria: Invitae Variant Classification Sherloc (09022015). Collection method: clinical testing. Allele origin: germline.
Comment: A gross deletion of the genomic region encompassing the full coding sequence of the GATA4 gene has been identified. The boundaries of this event are unknown as the deletion extends beyond the assayed region for this gene and therefore may encompass additional genes. Isolated whole-gene deletions of GATA4 have not been reported in the literature. However, larger copy number events that include this gene have been reported (PMID: 25205790, 25516202, 21834050). Loss-of-function variants in GATA4 are known to be pathogenic (PMID: 12845333, 15235040). For these reasons, this variant has been classified as Pathogenic.

Literature cited by the submitters: PubMed 25516202; PubMed 21834050; PubMed 25205790.